The following is an entry in ClinVar:

NM_024592.5(SRD5A3):c.464A>G (p.Asn155Ser)

Gene: SRD5A3 (steroid 5 alpha-reductase 3; plus strand). Cytogenetic location: 4q12.
Variant type: single nucleotide variant.
Coding change: c.464A>G on transcript NM_024592.5 (MANE Select); coding-DNA position 464, A replaced by G.
Protein change: p.Asn155Ser; replaces asparagine 155 with serine.
Molecular consequence: missense variant.
Genome position (GRCh38, 1-based): chr4:55,364,173, A>G. VCF-style: chr4-55364173-A-G. GRCh37 (hg19) VCF-style: chr4-56230340-A-G.
Other names: short protein forms N155S.
Identifiers: ClinVar variation 349007 (VCV000349007.11), dbSNP rs770085775, ClinGen allele CA2925300.

ClinVar aggregate classification (germline): Uncertain significance. Review status: criteria provided, multiple submitters, no conflicts (2 of 4 stars). 2 submissions from 2 submitters: Uncertain significance (2). Last evaluated 2024-02-17.

Conditions:
SRD5A3-congenital disorder of glycosylation. Also called: CDG Iq; COLOBOMA, OCULAR, WITH ICHTHYOSIS, BRAIN MALFORMATIONS, AND ENDOCRINE ABNORMALITIES; Ocular colobomas, ichthyosis, brain malformations and endocrine abnormalities; Congenital disorder of glycosylation type 1Q; SRD5A3-CDG. Identifiers: Orphanet 324737, MedGen C4317224, MONDO:0012885, OMIM 612379.

Allele frequency attached by ClinVar (database versions not stated): ExAC 0.00001; gnomAD exomes 0.00001; TOPMed 0.00002; gnomAD 0.00003 and 0.00004.
gnomAD v4.1: 27 of 1,613,994 alleles (0.0017%); highest among the groups gnomAD compares: Non-Finnish European, 0.0019%; no homozygotes.

Submissions (2):

Labcorp Genetics (formerly Invitae), Labcorp
Classification: Uncertain significance for SRD5A3-congenital disorder of glycosylation. Last evaluated: 2024-02-17. Review status: criteria provided, single submitter. Criteria: Invitae Variant Classification Sherloc (09022015). Collection method: clinical testing. Allele origin: germline.
Comment: This sequence change replaces asparagine, which is neutral and polar, with serine, which is neutral and polar, at codon 155 of the SRD5A3 protein (p.Asn155Ser). This variant is present in population databases (rs770085775, gnomAD 0.002%). This variant has not been reported in the literature in individuals affected with SRD5A3-related conditions. ClinVar contains an entry for this variant (Variation ID: 349007). Advanced modeling of protein sequence and biophysical properties (such as structural, functional, and spatial information, amino acid conservation, physicochemical variation, residue mobility, and thermodynamic stability) performed at Invitae indicates that this missense variant is not expected to disrupt SRD5A3 protein function with a negative predictive value of 80%. In summary, the available evidence is currently insufficient to determine the role of this variant in disease. Therefore, it has been classified as a Variant of Uncertain Significance.

Illumina Laboratory Services, Illumina
Classification: Uncertain significance for SRD5A3-congenital disorder of glycosylation. Last evaluated: 2018-01-13. Review status: criteria provided, single submitter. Criteria: ICSL Variant Classification Criteria 13 December 2019. Collection method: clinical testing. Allele origin: germline.